The following is an entry in ClinVar:

ClinVar aggregate classification (germline): Uncertain significance. Review status: criteria provided, multiple submitters, no conflicts (2 of 4 stars). 2 submissions from 2 submitters: Uncertain significance (2). Last evaluated 2025-09-02.

Conditions:
Proline dehydrogenase deficiency (HYRPRO1). Also called: Hyperprolinemia type 1; PROLINE OXIDASE DEFICIENCY. Identifiers: Orphanet 419, MedGen C0268529, MONDO:0009400, OMIM 239500.
Schizophrenia 4 (SCZD4). Also called: SCHIZOPHRENIA, SUSCEPTIBILITY TO, 4; SCHIZOPHRENIA SUSCEPTIBILITY LOCUS, CHROMOSOME 22q11-RELATED. Identifiers: MedGen C1833247, MONDO:0010943, OMIM 600850.

Submissions (2):

Labcorp Genetics (formerly Invitae), Labcorp
Classification: Uncertain significance for Proline dehydrogenase deficiency. Last evaluated: 2025-09-02. Review status: criteria provided, single submitter. Criteria: Invitae Variant Classification Sherloc (09022015). Collection method: clinical testing. Allele origin: germline.
Comment: This sequence change replaces alanine, which is neutral and non-polar, with valine, which is neutral and non-polar, at codon 43 of the PRODH protein (p.Ala43Val). This variant is not present in population databases (gnomAD no frequency). This variant has not been reported in the literature in individuals affected with PRODH-related conditions. ClinVar contains an entry for this variant (Variation ID: 2154251). An algorithm developed to predict the effect of missense changes on protein structure and function outputs the following: PolyPhen-2: "Benign". The valine amino acid residue is found in multiple mammalian species, which suggests that this missense change does not adversely affect protein function. In summary, the available evidence is currently insufficient to determine the role of this variant in disease. Therefore, it has been classified as a Variant of Uncertain Significance.

Fulgent Genetics
Classification: Uncertain significance for Proline dehydrogenase deficiency; Schizophrenia 4. Last evaluated: 2024-01-22. Review status: criteria provided, single submitter. Criteria: ACMG Guidelines, 2015. Collection method: clinical testing. Allele origin: germline.

NM_016335.6(PRODH):c.128C>T (p.Ala43Val)

Gene: PRODH (proline dehydrogenase 1; minus strand). Cytogenetic location: 22q11.21.
Variant type: single nucleotide variant.
Coding change: c.128C>T on transcript NM_016335.6 (MANE Select); coding-DNA position 128, C replaced by T.
Protein change: p.Ala43Val; replaces alanine 43 with valine.
Molecular consequence: missense variant. On other transcripts: intron variant (2).
Genome position (GRCh38, 1-based): chr22:18,936,160, G>A on the plus strand (C>T on the coding strand, the complement: PRODH is on the minus strand). VCF-style: chr22-18936160-G-A. GRCh37 (hg19) VCF-style: chr22-18923673-G-A.
Other names: c.-52+230C>T (NM_001195226.2); c.-52+10C>T (NM_001368250.2); short protein forms A43V.
Identifiers: ClinVar variation 2154251 (VCV002154251.4), dbSNP rs1316142327, ClinGen allele CA410654110.